The following is an entry in ClinVar:

ClinVar aggregate classification (germline): Likely benign. Review status: criteria provided, multiple submitters, no conflicts (2 of 4 stars). 2 submissions from 2 submitters: Likely benign (2). Last evaluated 2023-12-09.

Conditions:
Autosomal recessive limb-girdle muscular dystrophy type 2J (LGMDR10). Also called: Limb-girdle muscular dystrophy, type 2J; MUSCULAR DYSTROPHY, LIMB-GIRDLE, AUTOSOMAL RECESSIVE 10. Identifiers: Orphanet 140922, MedGen C1837342, MONDO:0012127, OMIM 608807.
Dilated cardiomyopathy 1G (CMD1G). Identifiers: Orphanet 154, MedGen C1858763, MONDO:0011400, OMIM 604145.

Submissions (2):

Labcorp Genetics (formerly Invitae), Labcorp
Classification: Likely benign for Dilated cardiomyopathy 1G; Autosomal recessive limb-girdle muscular dystrophy type 2J. Last evaluated: 2023-12-09. Review status: criteria provided, single submitter. Criteria: Invitae Variant Classification Sherloc (09022015). Collection method: clinical testing. Allele origin: germline.

Laboratory for Molecular Medicine, Mass General Brigham Personalized Medicine
Classification: Likely benign. Last evaluated: 2016-01-26. Review status: criteria provided, single submitter. Criteria: LMM Criteria. Collection method: clinical testing. Allele origin: germline. Observed: 1 variant allele.
Comment: p.Thr9270Thr in exon 116 of TTN: This variant is not expected to have clinical s ignificance because it does not alter an amino acid residue and is not located w ithin the splice consensus sequence.

NM_001267550.2(TTN):c.31542T>C (p.Thr10514=)

Gene: TTN (titin; minus strand). Cytogenetic location: 2q31.2.
Variant type: single nucleotide variant.
Coding change: c.31542T>C on transcript NM_001267550.2 (MANE Select); coding-DNA position 31542, T replaced by C.
Protein change: p.Thr10514=; no amino-acid change (threonine 10514 retained).
Molecular consequence: synonymous variant. On other transcripts: intron variant (3).
Genome position (GRCh38, 1-based): chr2:178,693,661, A>G on the plus strand (T>C on the coding strand, the complement: TTN is on the minus strand). VCF-style: chr2-178693661-A-G. GRCh37 (hg19) VCF-style: chr2-179558388-A-G.
Other names: c.27810T>C, p.Thr9270= (NM_133378.4); c.30591T>C, p.Thr10197= (NM_001256850.1); c.13282+44421T>C (NM_003319.4); c.13858+44421T>C (NM_133437.4); c.13657+44421T>C (NM_133432.3).
Identifiers: ClinVar variation 228079 (VCV000228079.8), dbSNP rs876657602, ClinGen allele CA10576543.
Genomic context (GRCh38, chr2:178,693,661, plus strand): 5'-ACTAATACCTTTAGGTGGTGGTTCAACCCTTTTGGAAATGGCAACGTGAATTTTCTCTTC[A>G]GTAACAATTTCCTTTTGTACCTCGGGGACTTAAAAAAATGTACATTTTAATTACTGATAT-3'
Protein context (NP_001254479.2, residues 10504-10524): TVPEVQKEIV[Thr10514=]EEKIHVAISK